The following is an entry in ClinVar:

ClinVar aggregate classification (germline): Uncertain significance (1 of 4 stars; one submission).

Conditions:
Charcot-Marie-Tooth disease axonal type 2O. Also called: CHARCOT-MARIE-TOOTH NEUROPATHY, AXONAL, TYPE 2O; CHARCOT-MARIE-TOOTH DISEASE, AXONAL, AUTOSOMAL DOMINANT, TYPE 2O; Charcot-Marie-Tooth disease, axonal, type 20; Charcot-Marie-Tooth Neuropathy Type 2O. Identifiers: Orphanet 284232, MedGen C3280220, MONDO:0013644, OMIM 614228.

Submission:

Labcorp Genetics (formerly Invitae), Labcorp
Classification: Uncertain significance for Charcot-Marie-Tooth disease axonal type 2O. Last evaluated: 2023-03-16. Review status: criteria provided, single submitter. Criteria: Invitae Variant Classification Sherloc (09022015). Collection method: clinical testing. Allele origin: germline.
Comment: This variant is not present in population databases (gnomAD no frequency). This sequence change replaces threonine, which is neutral and polar, with isoleucine, which is neutral and non-polar, at codon 4334 of the DYNC1H1 protein (p.Thr4334Ile). This variant has not been reported in the literature in individuals affected with DYNC1H1-related conditions. In summary, the available evidence is currently insufficient to determine the role of this variant in disease. Therefore, it has been classified as a Variant of Uncertain Significance. Advanced modeling of protein sequence and biophysical properties (such as structural, functional, and spatial information, amino acid conservation, physicochemical variation, residue mobility, and thermodynamic stability) performed at Invitae indicates that this missense variant is not expected to disrupt DYNC1H1 protein function. ClinVar contains an entry for this variant (Variation ID: 1721430).

NM_001376.5(DYNC1H1):c.13001C>T (p.Thr4334Ile)

Gene: DYNC1H1 (dynein cytoplasmic 1 heavy chain 1; plus strand). Cytogenetic location: 14q32.31.
Variant type: single nucleotide variant.
Coding change: c.13001C>T on transcript NM_001376.5 (MANE Select); coding-DNA position 13001, C replaced by T.
Protein change: p.Thr4334Ile; replaces threonine 4334 with isoleucine.
Molecular consequence: missense variant.
Genome position (GRCh38, 1-based): chr14:102,044,693, C>T. VCF-style: chr14-102044693-C-T. GRCh37 (hg19) VCF-style: chr14-102511030-C-T.
Other names: short protein forms T4334I.
Identifiers: ClinVar variation 1721430 (VCV001721430.5), dbSNP rs2048693948, ClinGen allele CA391044748.